The following is an entry in ClinVar:

NM_032043.3(BRIP1):c.2098-15del

Gene: BRIP1 (BRCA1 interacting DNA helicase 1; minus strand). Cytogenetic location: 17q23.2.
Variant type: Deletion.
Coding change: c.2098-15del on transcript NM_032043.3 (MANE Select); 15 bases into the intron before coding-DNA position 2098, one base deleted (C; older notation c.2098-15delC).
Molecular consequence: intron variant.
Genome position (GRCh38, 1-based): chr17:61,744,606, G deleted on the plus strand (C on the coding strand, the reverse complement: BRIP1 is on the minus strand). VCF-style (leftmost placement, unchanged base first): chr17-61744605-AG-A. GRCh37 (hg19) VCF-style: chr17-59821966-AG-A.
Identifiers: ClinVar variation 3379020 (VCV003379020.1).

ClinVar aggregate classification (germline): Likely benign (1 of 4 stars; one submission).

Conditions:
Familial cancer of breast. Also called: hereditary breast carcinoma; Hereditary breast cancer; BREAST CANCER, FAMILIAL. Identifiers: Orphanet 227535, MedGen C0346153, MONDO:0016419, OMIM 114480. Disease mechanism: loss of function.

Submission:

Myriad Genetics, Inc.
Classification: Likely benign for Familial cancer of breast. Last evaluated: 2024-09-03. Review status: criteria provided, single submitter. Criteria: Myriad Autosomal Dominant, Autosomal Recessive and X-Linked Classification Criteria (2023). Collection method: clinical testing. Allele origin: unknown.
Comment: This variant is considered likely benign. This variant is intronic and is not expected to impact mRNA splicing.